The following is an entry in ClinVar:

NM_005356.5(LCK):c.788A>T (p.Tyr263Phe)

Gene: LCK (LCK proto-oncogene, Src family tyrosine kinase; plus strand). Cytogenetic location: 1p35.2.
Variant type: single nucleotide variant.
Coding change: c.788A>T on transcript NM_005356.5 (MANE Select); coding-DNA position 788, A replaced by T.
Protein change: p.Tyr263Phe; replaces tyrosine 263 with phenylalanine.
Molecular consequence: missense variant.
Genome position (GRCh38, 1-based): chr1:32,276,610, A>T. VCF-style: chr1-32276610-A-T. GRCh37 (hg19) VCF-style: chr1-32742211-A-T.
Other names: c.788A>T, p.Tyr263Phe (NM_001042771.3); c.635A>T, p.Tyr212Phe (NM_001330468.2); short protein forms Y212F, Y263F.
Identifiers: ClinVar variation 1976875 (VCV001976875.3), dbSNP rs748878726, ClinGen allele CA20232196.

ClinVar aggregate classification (germline): Uncertain significance (1 of 4 stars; one submission).

Conditions:
Severe combined immunodeficiency due to LCK deficiency. Also called: Immunodeficiency 22. Identifiers: Orphanet 280142, MedGen C4014233, MONDO:0014334, OMIM 615758.

gnomAD v4.1: 1 of 1,610,544 alleles (0.000062%); highest among the groups gnomAD compares: Non-Finnish European, 0.000085%; no homozygotes.

Submission:

Labcorp Genetics (formerly Invitae), Labcorp
Classification: Uncertain significance for Severe combined immunodeficiency due to LCK deficiency. Last evaluated: 2022-04-29. Review status: criteria provided, single submitter. Criteria: Invitae Variant Classification Sherloc (09022015). Collection method: clinical testing. Allele origin: germline.
Comment: This variant is not present in population databases (gnomAD no frequency). This sequence change replaces tyrosine, which is neutral and polar, with phenylalanine, which is neutral and non-polar, at codon 263 of the LCK protein (p.Tyr263Phe). This variant has not been reported in the literature in individuals affected with LCK-related conditions. Algorithms developed to predict the effect of missense changes on protein structure and function output the following: SIFT: "Deleterious"; PolyPhen-2: "Benign"; Align-GVGD: "Class C15". The phenylalanine amino acid residue is found in multiple mammalian species, which suggests that this missense change does not adversely affect protein function. In summary, the available evidence is currently insufficient to determine the role of this variant in disease. Therefore, it has been classified as a Variant of Uncertain Significance.